The following is an entry in ClinVar:

ClinVar aggregate classification (germline): Uncertain significance (1 of 4 stars; one submission).

Conditions:
Primary ciliary dyskinesia. Also called: Ciliary dyskinesia. Identifiers: Orphanet 244, MedGen C0008780, MONDO:0016575, HP:0012265.

Submission:

Labcorp Genetics (formerly Invitae), Labcorp
Classification: Uncertain significance for Primary ciliary dyskinesia. Last evaluated: 2022-07-08. Review status: criteria provided, single submitter. Criteria: Invitae Variant Classification Sherloc (09022015). Collection method: clinical testing. Allele origin: germline.
Comment: In summary, the available evidence is currently insufficient to determine the role of this variant in disease. Therefore, it has been classified as a Variant of Uncertain Significance. Algorithms developed to predict the effect of missense changes on protein structure and function output the following: SIFT: "Deleterious"; PolyPhen-2: "Benign"; Align-GVGD: "Class C0". The histidine amino acid residue is found in multiple mammalian species, which suggests that this missense change does not adversely affect protein function. This variant has not been reported in the literature in individuals affected with ZMYND10-related conditions. This variant is present in population databases (rs746014252, gnomAD 0.05%). This sequence change replaces arginine, which is basic and polar, with histidine, which is basic and polar, at codon 278 of the ZMYND10 protein (p.Arg278His).

NM_015896.4(ZMYND10):c.833G>A (p.Arg278His)

Gene: ZMYND10 (zinc finger MYND-type containing 10; minus strand). Cytogenetic location: 3p21.31.
Variant type: single nucleotide variant.
Coding change: c.833G>A on transcript NM_015896.4 (MANE Select); coding-DNA position 833, G replaced by A.
Protein change: p.Arg278His; replaces arginine 278 with histidine.
Molecular consequence: missense variant.
Genome position (GRCh38, 1-based): chr3:50,342,437, C>T on the plus strand (G>A on the coding strand, the complement: ZMYND10 is on the minus strand). VCF-style: chr3-50342437-C-T. GRCh37 (hg19) VCF-style: chr3-50379868-C-T.
Other names: c.818G>A, p.Arg273His (NM_001308379.2); short protein forms R273H, R278H.
Identifiers: ClinVar variation 1920922 (VCV001920922.3), dbSNP rs746014252, ClinGen allele CA2417075.